The following is an entry in ClinVar:

ClinVar aggregate classification (germline): Likely pathogenic. Review status: criteria provided, multiple submitters, no conflicts (2 of 4 stars). 2 submissions from 2 submitters: Likely pathogenic (2). Last evaluated 2026-04-28.

Conditions:
Pseudoachondroplastic spondyloepiphyseal dysplasia syndrome (PSACH). Also called: COMP-Related Pseudoachondroplasia; PSEUDOACHONDROPLASTIC DYSPLASIA; Pseudoachondroplasia. Identifiers: Orphanet 750, MedGen C0410538, MONDO:0008322, OMIM 177170.

Submissions (2):

Wales Gene Park, Division Of Cancer and Genetics, Cardiff University
Classification: Likely pathogenic for Pseudoachondroplastic spondyloepiphyseal dysplasia syndrome. Last evaluated: 2026-04-28. Review status: criteria provided, single submitter. Criteria: ACGS Best Practice Guidelines for Variant Classification in Rare Disease 2024. Collection method: research. Allele origin: maternal. Inheritance: Autosomal dominant inheritance. Affected: yes. Study: 100,000 Genomes Project (Wales).
Comment: Inherited COMP missense variant detected by genome sequencing. Not present in gnomAD (v4.1.1). REVEL score 0.891. We detected this variant segregating in three generations of a family with pseudoachondroplasia. The variant was previously reported as likely pathogenic in pseudoachondroplastic spondyloepiphyseal dysplasia syndrome (ClinVar Accession: VCV000803550.1). Another missense change at the same residue is reported in ClinVar as likely pathogenic (p.Asp273Gly, Accession: VCV002412784.1). Evidence codes: PM2, PP3, PM5, PS4_supporting, PP4.

Mendelics
Classification: Likely pathogenic for Pseudoachondroplastic spondyloepiphyseal dysplasia syndrome. Last evaluated: 2019-05-28. Review status: criteria provided, single submitter. Criteria: Mendelics Assertion Criteria 2017. Collection method: clinical testing. Allele origin: unknown.

NM_000095.3(COMP):c.818A>T (p.Asp273Val)

Gene: COMP (cartilage oligomeric matrix protein; minus strand). Cytogenetic location: 19p13.11.
Variant type: single nucleotide variant.
Coding change: c.818A>T on transcript NM_000095.3 (MANE Select); coding-DNA position 818, A replaced by T.
Protein change: p.Asp273Val; replaces aspartic acid 273 with valine.
Molecular consequence: missense variant.
Genome position (GRCh38, 1-based): chr19:18,788,459, T>A on the plus strand (A>T on the coding strand, the complement: COMP is on the minus strand). VCF-style: chr19-18788459-T-A. GRCh37 (hg19) VCF-style: chr19-18899268-T-A.
Other names: short protein forms D273V.
Identifiers: ClinVar variation 803550 (VCV000803550.2), dbSNP rs1601057491, ClinGen allele CA404892660.
Genomic context (GRCh38, chr19:18,788,459, plus strand): 5'-CCCCCACCCACCTTACGGCACTGGCGCTCCGGGCAGCGCAGCTTCTCGTCCGGGAAGCCG[T>A]CTAGGTCAGTGTCGCGACCACAGAGGATCCCGTTGCCGGCCCAGCCAACGGCACACTGTG-3'
Protein context (NP_000086.2, residues 263-283): GILCGRDTDL[Asp273Val]GFPDEKLRCP